The following is an entry in ClinVar:

NM_001079872.2(CUL4B):c.164G>A (p.Arg55Lys)

Genes: CUL4B (cullin 4B; minus strand), LOC113845788 (Sharpr-MPRA regulatory region 11856; plus strand). Cytogenetic location: Xq24.
Variant type: single nucleotide variant.
Coding change: c.164G>A on transcript NM_001079872.2 (MANE Select); coding-DNA position 164, G replaced by A.
Protein change: p.Arg55Lys; replaces arginine 55 with lysine.
Molecular consequence: missense variant.
Genome position (GRCh38, 1-based): chrX:120,560,475, C>T on the plus strand (G>A on the coding strand, the complement: CUL4B is on the minus strand). VCF-style: chrX-120560475-C-T. GRCh37 (hg19) VCF-style: chrX-119694330-C-T.
Other names: c.179G>A, p.Arg60Lys (NM_001330624.2); c.218G>A, p.Arg73Lys (NM_003588.4); short protein forms R55K, R73K, R60K.
Identifiers: ClinVar variation 1475318 (VCV001475318.8), dbSNP rs2147350219, ClinGen allele CA414206005.

ClinVar aggregate classification (germline): Uncertain significance (1 of 4 stars; one submission).

Conditions:
X-linked intellectual disability Cabezas type (MRXSC). Also called: Intellectual developmental disorder, X-linked syndromic, Cabezas type; CABEZAS SYNDROME; MENTAL RETARDATION, X-LINKED, SYNDROMIC 15. Identifiers: Orphanet 85289, Orphanet 85293, MedGen C1845861, MONDO:0010306, OMIM 300354.

Allele frequency attached by ClinVar (database versions not stated): gnomAD exomes below 0.00001.
gnomAD v4.1: 2 of 1,210,134 alleles (0.00017%); highest among the groups gnomAD compares: Non-Finnish European, 0.00022%; no homozygotes.

Submission:

Labcorp Genetics (formerly Invitae), Labcorp
Classification: Uncertain significance for X-linked intellectual disability Cabezas type. Last evaluated: 2021-03-20. Review status: criteria provided, single submitter. Criteria: Invitae Variant Classification Sherloc (09022015). Collection method: clinical testing. Allele origin: germline.
Comment: This sequence change replaces arginine with lysine at codon 73 of the CUL4B protein (p.Arg73Lys). The arginine residue is weakly conserved and there is a small physicochemical difference between arginine and lysine. This variant is not present in population databases (ExAC no frequency). This variant has not been reported in the literature in individuals with CUL4B-related conditions. Algorithms developed to predict the effect of missense changes on protein structure and function output the following: SIFT: "Tolerated"; PolyPhen-2: "Benign"; Align-GVGD: "Class C0". The lysine amino acid residue is found in multiple mammalian species, suggesting that this missense change does not adversely affect protein function. These predictions have not been confirmed by published functional studies and their clinical significance is uncertain. In summary, the available evidence is currently insufficient to determine the role of this variant in disease. Therefore, it has been classified as a Variant of Uncertain Significance.